The following is an entry in ClinVar:

ClinVar aggregate classification (germline): Pathogenic. Review status: criteria provided, multiple submitters, no conflicts (2 of 4 stars). 2 submissions from 2 submitters: Pathogenic (2). Last evaluated 2023-08-31.

Conditions:
Hereditary cancer-predisposing syndrome. Also called: Neoplastic Syndromes, Hereditary; Tumor predisposition; Hereditary Cancer Syndrome; Hereditary neoplastic syndrome. Identifiers: Orphanet 140162, MedGen C0027672, MeSH D009386, MONDO:0015356.
Familial adenomatous polyposis 4 (FAP4). Also called: MSH3-related attenuated familial adenomatous polyposis. Identifiers: Orphanet 480536, MedGen C4310719, MONDO:0044300, OMIM 617100.

Submissions (2):

Myriad Genetics, Inc.
Classification: Pathogenic for Familial adenomatous polyposis 4. Last evaluated: 2023-08-31. Review status: criteria provided, single submitter. Criteria: Myriad Autosomal Dominant, Autosomal Recessive and X-Linked Classification Criteria (2023). Collection method: clinical testing. Allele origin: unknown.
Comment: This variant is considered pathogenic. This variant creates a frameshift predicted to result in premature protein truncation.

Ambry Genetics
Classification: Pathogenic for Hereditary cancer-predisposing syndrome. Last evaluated: 2020-08-18. Review status: criteria provided, single submitter. Criteria: Ambry Variant Classification Scheme 2023. Collection method: clinical testing. Allele origin: germline.
Comment: The c.2990delT pathogenic mutation, located in coding exon 21 of the MSH3 gene, results from a deletion of one nucleotide at nucleotide position 2990, causing a translational frameshift with a predicted alternate stop codon (p.F997Sfs*5). This alteration is expected to result in loss of function by premature protein truncation or nonsense-mediated mRNA decay. As such, this alteration is interpreted as a disease-causing mutation.

NM_002439.5(MSH3):c.2990del (p.Phe997fs)

Gene: MSH3 (mutS homolog 3; plus strand). Cytogenetic location: 5q14.1.
Variant type: Deletion.
Coding change: c.2990del on transcript NM_002439.5 (MANE Select); coding-DNA position 2990, one base deleted (T; older notation c.2990delT).
Protein change: p.Phe997fs; shifts the reading frame from phenylalanine 997.
Molecular consequence: frameshift variant.
Genome position (GRCh38, 1-based): chr5:80,854,306, T deleted; the last of 3 consecutive T bases (chr5:80,854,304-80,854,306); deleting any one gives the same sequence. VCF-style (leftmost placement, unchanged base first): chr5-80854303-AT-A. GRCh37 (hg19) VCF-style: chr5-80150122-AT-A.
Other names: short protein forms F997fs.
Identifiers: ClinVar variation 1798520 (VCV001798520.3), dbSNP rs2478772049, ClinGen allele CA2580073609.
Genomic context (GRCh38, chr5:80,854,303, plus strand): 5'-AACTAGGAAGAGGGACGAGCACTCATGATGGAATTGCCATTGCCTATGCTACACTTGAGT[AT>A]TTCATCAGAGATGTAAGTATCCGGTAAACTGTATTTAAAAAGAAATTAATTTGTAAATTA-3'